The following is an entry in ClinVar:

ClinVar aggregate classification (germline): Uncertain significance. Review status: criteria provided, multiple submitters, no conflicts (2 of 4 stars). 3 submissions from 3 submitters: Uncertain significance (3). Last evaluated 2026-02-10.

Conditions:
Charcot-Marie-Tooth disease type 2. Also called: Charcot-Marie-Tooth type 2. Identifiers: Orphanet 64746, MedGen C0270914, MONDO:0018993.
Neuronopathy, distal hereditary motor, type 5C. Also called: DHMN VC; NEURONOPATHY, DISTAL HEREDITARY MOTOR, AUTOSOMAL DOMINANT 13; NEURONOPATHY, DISTAL HEREDITARY MOTOR, HARDING TYPE VC; NEUROPATHY, DISTAL HEREDITARY MOTOR, HARDING TYPE VC; SPINAL MUSCULAR ATROPHY, DISTAL, HARDING TYPE VC. Identifiers: MedGen C5436838, MONDO:0030860, OMIM 619112.
Severe neurodegenerative syndrome with lipodystrophy. Also called: ENCEPHALOPATHY, PROGRESSIVE, WITH LIPODYSTROPHY; Encephalopathy, progressive, with or without lipodystrophy. Identifiers: Orphanet 363400, MedGen C4014700, MONDO:0014402, OMIM 615924.
Hereditary spastic paraplegia 17. Also called: Silver spastic paraplegia syndrome; Spastic Paraplegia 17; Autosomal dominant spastic paraplegia type 17; Silver Syndrome; SPASTIC PARAPLEGIA WITH AMYOTROPHY OF HANDS AND FEET. Identifiers: Orphanet 100998, MedGen C2931276, MONDO:0010043, OMIM 270685.
Congenital generalized lipodystrophy type 2 (CGL2). Also called: BERARDINELLI SYNDROME; BRUNZELL SYNDROME, BSCL2-RELATED; SEIP SYNDROME; Berardinelli-Seip Congenital Lipodystrophy Type 2. Identifiers: Orphanet 528, Orphanet 696289, MedGen C1720863, MONDO:0010020, OMIM 269700.
BSCL2-related disorder. Also called: BSCL2-Related Disorders; BSCL2-related condition.

gnomAD v4.1: 30 of 1,613,996 alleles (0.0019%); highest among the groups gnomAD compares: East Asian, 0.0045%; no homozygotes.

Submissions (3):

PreventionGenetics, part of Exact Sciences
Classification: Uncertain significance for BSCL2-related condition. Last evaluated: 2026-02-10. Review status: criteria provided, single submitter. Criteria: ACMG Guidelines, 2015. Collection method: clinical testing. Allele origin: germline.
Comment: The BSCL2 c.1300T>C variant is predicted to result in the amino acid substitution p.Ser434Pro. This variant has been reported in an individual with amyotrophic lateral sclerosis (Scarlino et al. 2020. PubMed ID: 32397312). This variant is reported in 0.0097% of alleles in individuals of Ashkenazi Jewish descent in gnomAD. At this time, the clinical significance of this variant is uncertain due to the absence of conclusive functional and genetic evidence.

Fulgent Genetics
Classification: Uncertain significance for Congenital generalized lipodystrophy type 2; Hereditary spastic paraplegia 17; Severe neurodegenerative syndrome with lipodystrophy; Neuronopathy, distal hereditary motor, type 5C. Last evaluated: 2024-01-14. Review status: criteria provided, single submitter. Criteria: ACMG Guidelines, 2015. Collection method: clinical testing. Allele origin: germline.

Labcorp Genetics (formerly Invitae), Labcorp
Classification: Uncertain significance for Charcot-Marie-Tooth disease type 2. Last evaluated: 2023-10-17. Review status: criteria provided, single submitter. Criteria: Invitae Variant Classification Sherloc (09022015). Collection method: clinical testing. Allele origin: germline.
Comment: This sequence change replaces serine, which is neutral and polar, with proline, which is neutral and non-polar, at codon 370 of the BSCL2 protein (p.Ser370Pro). This variant is present in population databases (rs199584887, gnomAD 0.01%). This missense change has been observed in individual(s) with amyotrophic lateral sclerosis (PMID: 32397312). ClinVar contains an entry for this variant (Variation ID: 1413615). Algorithms developed to predict the effect of missense changes on protein structure and function output the following: SIFT: "Not Available"; PolyPhen-2: "Benign"; Align-GVGD: "Not Available". The proline amino acid residue is found in multiple mammalian species, which suggests that this missense change does not adversely affect protein function. In summary, the available evidence is currently insufficient to determine the role of this variant in disease. Therefore, it has been classified as a Variant of Uncertain Significance.

Literature cited by the submitters: PubMed 32397312 (cited by Labcorp Genetics (formerly Invitae), Labcorp).

NM_001122955.4(BSCL2):c.1300T>C (p.Ser434Pro)

Genes: BSCL2 (BSCL2 lipid droplet biogenesis associated, seipin; minus strand), HNRNPUL2-BSCL2 (HNRNPUL2-BSCL2 readthrough (NMD candidate); minus strand). Cytogenetic location: 11q12.3.
Variant type: single nucleotide variant.
Coding change: c.1300T>C on transcript NM_001122955.4 (MANE Select); coding-DNA position 1300, T replaced by C.
Protein change: p.Ser434Pro; replaces serine 434 with proline.
Molecular consequence: missense variant. On other transcripts: non-coding transcript variant (1), 3 prime UTR variant (1).
Genome position (GRCh38, 1-based): chr11:62,690,456, A>G on the plus strand (T>C on the coding strand, the complement: BSCL2 is on the minus strand). VCF-style: chr11-62690456-A-G. GRCh37 (hg19) VCF-style: chr11-62457928-A-G.
Other names: c.1300T>C (NM_001122955.3); c.*102T>C (NM_001130702.2); c.1306T>C, p.Ser436Pro (NM_001386027.1); c.1300T>C, p.Ser434Pro (NM_001386028.1); c.1108T>C, p.Ser370Pro (NM_032667.6); short protein forms S434P, S370P, S436P.
Identifiers: ClinVar variation 1413615 (VCV001413615.9), dbSNP rs199584887, ClinGen allele CA6053255.